The following is an entry in ClinVar:

NM_001003841.3(SLC6A19):c.56C>T (p.Ala19Val)

Gene: SLC6A19 (solute carrier family 6 member 19; plus strand). Cytogenetic location: 5p15.33.
Variant type: single nucleotide variant.
Coding change: c.56C>T on transcript NM_001003841.3 (MANE Select); coding-DNA position 56, C replaced by T.
Protein change: p.Ala19Val; replaces alanine 19 with valine.
Molecular consequence: missense variant.
Genome position (GRCh38, 1-based): chr5:1,201,706, C>T. VCF-style: chr5-1201706-C-T. GRCh37 (hg19) VCF-style: chr5-1201821-C-T.
Other names: short protein forms A19V.
Identifiers: ClinVar variation 2673002 (VCV002673002.23), dbSNP rs2477905668, ClinGen allele CA359060015.
Genomic context (GRCh38, chr5:1,201,706, plus strand): 5'-CCACCATGGTGAGGCTCGTGCTGCCCAACCCCGGCCTAGACGCCCGGATCCCGTCCCTGG[C>T]TGAGCTGGAGACCATCGAGCAGGAGGAGGCCAGCTCCCGGCCGAAGTGGGACAACAAGGC-3'
Protein context (NP_001003841.1, residues 9-29): PGLDARIPSL[Ala19Val]ELETIEQEEA

ClinVar aggregate classification (germline): Uncertain significance (1 of 4 stars; one submission).

Submission:

CeGaT Center for Human Genetics Tuebingen
Classification: Uncertain significance. Last evaluated: 2023-11-01. Review status: criteria provided, single submitter. Criteria: CeGaT Center For Human Genetics Tuebingen Variant Classification Criteria Version 2. Collection method: clinical testing. Allele origin: germline. Affected: yes. Observed: 1 variant allele.
Comment: SLC6A19: PM2, BP4